The following is an entry in ClinVar:

NM_000426.4(LAMA2):c.1306+2T>G

Gene: LAMA2 (laminin subunit alpha 2; plus strand). Cytogenetic location: 6q22.33.
Variant type: single nucleotide variant.
Coding change: c.1306+2T>G on transcript NM_000426.4 (MANE Select); the canonical splice donor site of the intron after coding-DNA position 1306, T replaced by G.
Molecular consequence: splice donor variant.
Genome position (GRCh38, 1-based): chr6:129,165,677, T>G. VCF-style: chr6-129165677-T-G. GRCh37 (hg19) VCF-style: chr6-129486822-T-G.
Other names: c.1306+2T>G (NM_001079823.2).
Identifiers: ClinVar variation 550061 (VCV000550061.5), dbSNP rs1326401124, ClinGen allele CA365607381.

ClinVar aggregate classification (germline): Pathogenic/Likely pathogenic. Review status: criteria provided, multiple submitters, no conflicts (2 of 4 stars). 4 submissions from 4 submitters: Pathogenic (2); Likely pathogenic (1). 1 of the submissions does not count toward it. Last evaluated 2025-11-09.

Conditions:
Merosin deficient congenital muscular dystrophy (MDC1A). Also called: Congenital merosin-deficient muscular dystrophy 1A; Congenital Muscular Dystrophy Type 1A (MDC1A). Identifiers: Orphanet 258, MedGen C1263858, MONDO:0011925, OMIM 607855.
Muscular dystrophy, limb-girdle, autosomal recessive 23. Identifiers: Orphanet 565837, MedGen C4748327, MONDO:0029136, OMIM 618138.
LAMA2-related disorder. Also called: LAMA2-related disorders; LAMA2-related condition.

Allele frequency attached by ClinVar (database versions not stated): gnomAD exomes below 0.00001.
gnomAD v4.1: 3 of 1,581,516 alleles (0.00019%); highest among the groups gnomAD compares: South Asian, 0.0033%; no homozygotes.

Submissions (4):

3billion
Classification: Pathogenic for LAMA2-related disorder. Last evaluated: 2025-11-09. Review status: criteria provided, single submitter. Criteria: ACMG Guidelines, 2015. Collection method: clinical testing. Allele origin: germline. Affected: yes.
Comment: The variant is observed at an extremely low frequency in the gnomAD v4.1.0 dataset (total allele frequency: <0.001%). Predicted Consequence/Location: Canonical splice site: predicted to alter splicing and result in a loss or disruption of normal protein function. Multiple pathogenic loss-of-function variants are reported downstream of the variant. In silico tools predict the variant to alter splicing and produce an abnormal transcript [SpliceAI: 0.93 (spliceogenicity >=0.2, non-spliceogenicity <0.1)]. The variant has been reported to be in trans with a pathogenic variant as either compound heterozygous or homozygous in at least one similarly affected unrelated individual (PMID: 28688748). The variant has been reported at least twice as pathogenic without evidence for the classification (ClinVar ID: VCV000550061 /PMID: 28688748). Therefore, this variant is classified as Pathogenic according to the recommendation of ACMG/AMP guideline.

Fulgent Genetics
Classification: Likely pathogenic for Merosin deficient congenital muscular dystrophy; Muscular dystrophy, limb-girdle, autosomal recessive 23. Last evaluated: 2024-02-12. Review status: criteria provided, single submitter. Criteria: ACMG Guidelines, 2015. Collection method: clinical testing. Allele origin: germline.

Baylor Genetics
Classification: Pathogenic for Merosin deficient congenital muscular dystrophy. Last evaluated: 2023-03-01. Review status: criteria provided, single submitter. Criteria: ACMG Guidelines, 2015. Collection method: clinical testing. Allele origin: unknown.

Counsyl
Classification: Likely pathogenic for Merosin deficient congenital muscular dystrophy. Last evaluated: 2017-10-04. Review status: no assertion criteria provided. Collection method: clinical testing. Allele origin: unknown. Not counted in ClinVar's aggregate classification.

Literature cited by the submitters: PubMed 28688748 (cited by 3billion).